The following is an entry in ClinVar:

ClinVar aggregate classification (germline): Uncertain significance (1 of 4 stars; one submission).

Submission:

Ambry Genetics
Classification: Uncertain significance. Last evaluated: 2024-12-29. Review status: criteria provided, single submitter. Criteria: Ambry Variant Classification Scheme 2023. Collection method: clinical testing. Allele origin: germline.
Comment: The p.P507S variant (also known as c.1519C>T), located in coding exon 1 of the TET2 gene, results from a C to T substitution at nucleotide position 1519. The proline at codon 507 is replaced by serine, an amino acid with similar properties. This amino acid position is conserved. In addition, this alteration is predicted to be tolerated by in silico analysis. Based on the available evidence, the clinical significance of this variant remains unclear.

NM_001127208.3(TET2):c.1519C>T (p.Pro507Ser)

Genes: TET2 (tet methylcytosine dioxygenase 2; plus strand), TET2-AS1 (TET2 antisense RNA 1; minus strand). Cytogenetic location: 4q24.
Variant type: single nucleotide variant.
Coding change: c.1519C>T on transcript NM_001127208.3 (MANE Select); coding-DNA position 1519, C replaced by T.
Protein change: p.Pro507Ser; replaces proline 507 with serine.
Molecular consequence: missense variant.
Genome position (GRCh38, 1-based): chr4:105,235,461, C>T. VCF-style: chr4-105235461-C-T. GRCh37 (hg19) VCF-style: chr4-106156618-C-T.
Other names: c.1519C>T, p.Pro507Ser (NM_017628.4); short protein forms P507S.
Identifiers: ClinVar variation 3805908 (VCV003805908.1).